The following is an entry in ClinVar:

NM_172107.4(KCNQ2):c.2572G>C (p.Gly858Arg)

Gene: KCNQ2 (potassium voltage-gated channel subfamily Q member 2; minus strand). Cytogenetic location: 20q13.33.
Variant type: single nucleotide variant.
Coding change: c.2572G>C on transcript NM_172107.4 (MANE Select); coding-DNA position 2572, G replaced by C.
Protein change: p.Gly858Arg; replaces glycine 858 with arginine.
Molecular consequence: missense variant.
Genome position (GRCh38, 1-based): chr20:63,406,691, C>G on the plus strand (G>C on the coding strand, the complement: KCNQ2 is on the minus strand). VCF-style: chr20-63406691-C-G. GRCh37 (hg19) VCF-style: chr20-62038044-C-G.
Other names: c.2488G>C, p.Gly830Arg (NM_004518.6); c.2518G>C, p.Gly840Arg (NM_172106.3); c.2479G>C, p.Gly827Arg (NM_172108.5); c.2626G>C, p.Gly876Arg (NM_001382235.1); short protein forms G840R, G858R, G876R, G827R, G830R.
Identifiers: ClinVar variation 2779903 (VCV002779903.3), dbSNP rs756609768, ClinGen allele CA409636502.
Genomic context (GRCh38, chr20:63,406,691, plus strand): 5'-GCCCAGCGCCGCCTCACTTCCTGGGCCCGGCCCAGCCCACGTCACCAAAGGGACCCTCGC[C>G]GGTGGCCGAGCGTGGCGGGGGCCCGCACGGGGTACAGAGGTCGGAGTCGGTGTCTGACTC-3'
Protein context (NP_742105.1, residues 848-868): PCGPPPRSAT[Gly858Arg]EGPFGDVGWA

ClinVar aggregate classification (germline): Uncertain significance (1 of 4 stars; one submission).

Conditions:
Early-infantile DEE. Also called: Ohtahara syndrome; Early infantile epileptic encephalopathy; Early infantile epileptic encephalopathy with suppression bursts. Identifiers: Orphanet 1934, MedGen C0393706, MONDO:0800491.

Submission:

Labcorp Genetics (formerly Invitae), Labcorp
Classification: Uncertain significance for Early-infantile DEE. Last evaluated: 2023-08-11. Review status: criteria provided, single submitter. Criteria: Invitae Variant Classification Sherloc (09022015). Collection method: clinical testing. Allele origin: germline.
Comment: This sequence change replaces glycine, which is neutral and non-polar, with arginine, which is basic and polar, at codon 858 of the KCNQ2 protein (p.Gly858Arg). This variant is not present in population databases (gnomAD no frequency). In summary, the available evidence is currently insufficient to determine the role of this variant in disease. Therefore, it has been classified as a Variant of Uncertain Significance. An algorithm developed to predict the effect of missense changes on protein structure and function (PolyPhen-2) suggests that this variant is likely to be disruptive. This variant has not been reported in the literature in individuals affected with KCNQ2-related conditions.